The following is an entry in ClinVar:

NM_001377.3(DYNC2H1):c.1433dup (p.Asn478fs)

Gene: DYNC2H1 (dynein cytoplasmic 2 heavy chain 1; plus strand). Cytogenetic location: 11q22.3.
Variant type: Duplication.
Coding change: c.1433dup on transcript NM_001377.3 (MANE Select); coding-DNA position 1433, one base duplicated (A; older notation c.1433dupA).
Protein change: p.Asn478fs; shifts the reading frame from asparagine 478.
Molecular consequence: frameshift variant.
Genome position (GRCh38, 1-based): chr11:103,121,444, A duplicated; the last of 5 consecutive A bases (chr11:103,121,440-103,121,444); duplicating any one gives the same sequence. VCF-style (leftmost placement, unchanged base first): chr11-103121439-C-CA. GRCh37 (hg19) VCF-style: chr11-102992168-C-CA.
Other names: c.1433dup, p.Asn478fs (NM_001080463.2); short protein forms N478fs.
Identifiers: ClinVar variation 5015656 (VCV005015656.1).
Genomic context (GRCh38, chr11:103,121,439, plus strand): 5'-ATTAGACTTTGAGAATCGGTGCCGAGGAATTCCTGGTGATGCATCTGGACCACTTTCTGG[C>CA]AAAAATCTTTCAGAAGTTGTCAACAGTATAGTTTGGGTTCGCCAGTTGGAATTGAAGGTA-3'

ClinVar aggregate classification (germline): Pathogenic (1 of 4 stars; one submission).

Conditions:
Asphyxiating thoracic dystrophy 3. Also called: SHORT-RIB THORACIC DYSPLASIA 3 WITH OR WITHOUT POLYDACTYLY; POLYDACTYLY WITH NEONATAL CHONDRODYSTROPHY, TYPE I; SHORT-RIB THORACIC DYSPLASIA 3/6 WITH POLYDACTYLY, DIGENIC; Short rib polydactyly syndrome 2B; Saldino-Noonan Syndrome. Identifiers: Orphanet 474, Orphanet 93269, Orphanet 93270, Orphanet 93271, MedGen C0036069, MONDO:0013127, OMIM 613091.

Submission:

Myriad Genetics, Inc.
Classification: Pathogenic for Asphyxiating thoracic dystrophy 3. Last evaluated: 2026-03-08. Review status: criteria provided, single submitter. Criteria: Myriad Autosomal Dominant, Autosomal Recessive and X-Linked Classification Criteria (2023). Collection method: clinical testing. Allele origin: unknown.
Comment: NM_001377.2(DYNC2H1):c.1433dupA(N478Kfs*21) is expected to be pathogenic in the context of DYNC2H1-related disorders. This variant is predicted to lead to an abnormal or absent protein product due to the creation of a premature termination codon in DYNC2H1, a gene where loss-of-function variants are known to be pathogenic. Please note: this variant was assessed in the context of healthy population screening.